The following is an entry in ClinVar:

NC_000007.13:g.(?_116165117)_(117307162_?)del

Genes: ASZ1 (ankyrin repeat, SAM and basic leucine zipper domain containing 1; minus strand), CAPZA2 (capping actin protein of muscle Z-line subunit alpha 2; plus strand), CAV1 (caveolin 1; plus strand), CFTR (CF transmembrane conductance regulator; plus strand), MET (MET proto-oncogene, receptor tyrosine kinase; plus strand) and 5 more. Cytogenetic location: 7q31.2.
Variant type: Deletion.
Identifiers: ClinVar variation 3245669 (VCV003245669.1).

ClinVar aggregate classification (germline): Pathogenic (1 of 4 stars; one submission).

Conditions:
Cystic fibrosis (CF). Also called: MUCOVISCIDOSIS. Identifiers: Orphanet 586, MedGen C0010674, MONDO:0009061, OMIM 219700. Disease mechanism: loss of function.

Submission:

Labcorp Genetics (formerly Invitae), Labcorp
Classification: Pathogenic for Cystic fibrosis. Last evaluated: 2023-07-14. Review status: criteria provided, single submitter. Criteria: Invitae Variant Classification Sherloc (09022015). Collection method: clinical testing. Allele origin: unknown.
Comment: A gross deletion of the genomic region encompassing the full coding sequence of the CFTR gene has been identified. Loss-of-function variants in CFTR are known to be pathogenic (PMID: 1695717, 7691345, 9725922). The boundaries of this event are unknown as they extend beyond the assayed region for this gene and therefore may encompass additional genes. A similar copy number variant has been observed in individual(s) with cystic fibrosis (PMID: 11781704, 15520400). In at least one individual the data is consistent with being in trans (on the opposite chromosome) from a pathogenic variant. For these reasons, this variant has been classified as Pathogenic.

Literature cited by the submitters: PubMed 1695717; PubMed 7691345; PubMed 9725922; PubMed 11781704; PubMed 15520400.